The following is an entry in ClinVar:

NM_007294.4(BRCA1):c.3541del (p.Val1181fs)

Genes: BRCA1 (BRCA1 DNA repair associated; minus strand), LOC126862571 (BRD4-independent group 4 enhancer GRCh37_chr17:41243136-41244335; plus strand). Cytogenetic location: 17q21.31.
Variant type: Deletion.
Coding change: c.3541del on transcript NM_007294.4 (MANE Select); coding-DNA position 3541, one base deleted (G; older notation c.3541delG).
Protein change: p.Val1181fs; shifts the reading frame from valine 1181.
Molecular consequence: frameshift variant. On other transcripts: intron variant (135).
Genome position (GRCh38, 1-based): chr17:43,091,990, C deleted on the plus strand (G on the coding strand, the reverse complement: BRCA1 is on the minus strand). VCF-style (leftmost placement, unchanged base first): chr17-43091989-AC-A. GRCh37 (hg19) VCF-style: chr17-41244006-AC-A.
Other names: c.3538del, p.Val1180fs (NM_001407860.1, NM_001407861.1, NM_001407587.1 and 22 more transcripts); c.3340del, p.Val1114fs (NM_001407862.1); c.3418del, p.Val1140fs (NM_001407863.1, NM_001407919.1, NM_001407937.1 and 19 more transcripts); c.3337del, p.Val1113fs (NM_001407874.1, NM_001407875.1); c.3331del, p.Val1111fs (NM_001407879.1, NM_001407881.1, NM_001407882.1 and 13 more transcripts); c.3328del, p.Val1110fs (NM_001407894.1, NM_001407895.1, NM_001407896.1 and 9 more transcripts); c.3277del, p.Val1093fs (NM_001407920.1, NM_001407921.1, NM_001407922.1 and 9 more transcripts); c.3274del, p.Val1092fs (NM_001407930.1, NM_001407931.1, NM_001407932.1 and 2 more transcripts); and 41 more; short protein forms V1181fs, V1134fs, V1070fs, V1114fs, V1139fs, V1053fs, V1110fs, V1140fs.
Identifiers: ClinVar variation 254432 (VCV000254432.7), dbSNP rs886038016, ClinGen allele CA10586627.

ClinVar aggregate classification (germline): Pathogenic. Review status: reviewed by expert panel (3 of 4 stars). 5 submissions from 5 submitters: Pathogenic (1). 4 of the submissions do not count toward it. Last evaluated 2016-09-08.

Conditions:
Breast-ovarian cancer, familial, susceptibility to, 1 (BROVCA1). Also called: BRCA1 Hereditary Breast and Ovarian Cancer; OVARIAN CANCER, SUSCEPTIBILITY TO. Identifiers: Orphanet 145, MedGen C2676676, MONDO:0011450, OMIM 604370. Disease mechanism: loss of function.
Fanconi anemia, complementation group S (FANCS). Identifiers: MedGen C4554406, MONDO:0054748, OMIM 617883.
Familial cancer of breast. Also called: BREAST CANCER, FAMILIAL; hereditary breast carcinoma; Hereditary breast cancer. Identifiers: Orphanet 227535, MedGen C0346153, MONDO:0016419, OMIM 114480. Disease mechanism: loss of function.

Submissions (5):

Evidence-based Network for the Interpretation of Germline Mutant Alleles (ENIGMA)
Classification: Pathogenic for Breast-ovarian cancer, familial, susceptibility to, 1. Last evaluated: 2016-09-08. Review status: reviewed by expert panel. Criteria: ENIGMA BRCA1/2 Classification Criteria (2015). Collection method: curation. Allele origin: germline.
Comment: Variant allele predicted to encode a truncated non-functional protein.

Department of Pathology and Laboratory Medicine, Sinai Health System
Classification: Pathogenic for Familial cancer of breast; Breast-ovarian cancer, familial, susceptibility to, 1; Fanconi anemia, complementation group S. Last evaluated: 2022-05-17. Review status: criteria provided, single submitter. Criteria: ACMG Guidelines, 2015. Collection method: clinical testing. Allele origin: germline. Affected: yes. Not counted in ClinVar's aggregate classification.

Consortium of Investigators of Modifiers of BRCA1/2 (CIMBA), c/o University of Cambridge
Classification: Pathogenic for Breast-ovarian cancer, familial, susceptibility to, 1. Last evaluated: 2015-10-02. Review status: criteria provided, single submitter. Criteria: CIMBA Mutation Classification guidelines May 2016. Collection method: clinical testing. Allele origin: germline. Not counted in ClinVar's aggregate classification.

Clinical Genetics Laboratory, Department of Pathology, Netherlands Cancer Institute
Classification: Pathogenic. Review status: no assertion criteria provided. Collection method: clinical testing. Allele origin: germline. Affected: yes. Study: VKGL Data-share Consensus. Not counted in ClinVar's aggregate classification.

Diagnostic Laboratory, Department of Genetics, University Medical Center Groningen
Classification: Pathogenic for Breast-ovarian cancer, familial, susceptibility to, 1. Review status: no assertion criteria provided. Collection method: clinical testing. Allele origin: germline. Affected: yes. Study: VKGL Data-share Consensus. Not counted in ClinVar's aggregate classification.